The following is an entry in ClinVar:

ClinVar aggregate classification (germline): Likely benign. Review status: criteria provided, single submitter (1 of 4 stars). 2 submissions from 2 submitters: Likely benign (1). 1 of the submissions does not count toward it. Last evaluated 2024-12-10.

Conditions:
Limb-girdle muscular dystrophy due to POMK deficiency. Also called: MUSCULAR DYSTROPHY-DYSTROGLYCANOPATHY, LIMB-GIRDLE, POMK-RELATED; Muscular dystrophy-dystroglycanopathy (limb-girdle), type c, 12. Identifiers: Orphanet 445110, MedGen C4015184, MONDO:0014489, OMIM 616094.
Muscular dystrophy-dystroglycanopathy (congenital with brain and eye anomalies), type a, 12 (MDDGA12). Also called: WALKER-WARBURG SYNDROME OR MUSCLE-EYE-BRAIN DISEASE, POMK-RELATED. Identifiers: Orphanet 899, MedGen C3808964, MONDO:0014101, OMIM 615249.
POMK-related disorder. Also called: POMK-related condition.

Allele frequency attached by ClinVar (database versions not stated): gnomAD exomes below 0.00001; ExAC 0.00001; gnomAD 0.00001; TOPMed 0.00001.
gnomAD v4.1: 6 of 1,614,100 alleles (0.00037%); highest among the groups gnomAD compares: African/African-American, 0.0053%; no homozygotes.

Submissions (2):

Labcorp Genetics (formerly Invitae), Labcorp
Classification: Likely benign for Muscular dystrophy-dystroglycanopathy (congenital with brain and eye anomalies), type a, 12; Limb-girdle muscular dystrophy due to POMK deficiency. Last evaluated: 2024-12-10. Review status: criteria provided, single submitter. Criteria: Invitae Variant Classification Sherloc (09022015). Collection method: clinical testing. Allele origin: germline.

PreventionGenetics, part of Exact Sciences
Classification: Likely benign for POMK-related condition. Last evaluated: 2021-02-16. Review status: no assertion criteria provided. Collection method: clinical testing. Allele origin: germline. Not counted in ClinVar's aggregate classification.
Comment: This variant is classified as likely benign based on ACMG/AMP sequence variant interpretation guidelines (Richards et al. 2015 PMID: 25741868, with internal and published modifications).

NM_032237.5(POMK):c.588T>C (p.Pro196=)

Gene: POMK (protein O-mannose kinase; plus strand). Cytogenetic location: 8p11.21.
Variant type: single nucleotide variant.
Coding change: c.588T>C on transcript NM_032237.5 (MANE Select); coding-DNA position 588, T replaced by C.
Protein change: p.Pro196=; no amino-acid change (proline 196 retained).
Molecular consequence: synonymous variant.
Genome position (GRCh38, 1-based): chr8:43,122,412, T>C. VCF-style: chr8-43122412-T-C. GRCh37 (hg19) VCF-style: chr8-42977555-T-C.
Other names: c.588T>C, p.Pro196= (NM_001277971.2).
Identifiers: ClinVar variation 761753 (VCV000761753.9), dbSNP rs766337800, ClinGen allele CA4736310.